The following is an entry in ClinVar:

NM_005188.4(CBL):c.1443G>A (p.Pro481=)

Gene: CBL (Cbl proto-oncogene; plus strand). Cytogenetic location: 11q23.3.
Variant type: single nucleotide variant.
Coding change: c.1443G>A on transcript NM_005188.4 (MANE Select); coding-DNA position 1443, G replaced by A.
Protein change: p.Pro481=; no amino-acid change (proline 481 retained).
Molecular consequence: synonymous variant.
Genome position (GRCh38, 1-based): chr11:119,284,980, G>A. VCF-style: chr11-119284980-G-A. GRCh37 (hg19) VCF-style: chr11-119155690-G-A.
Other names: c.1443G>A (NM_005188.2).
Identifiers: ClinVar variation 1594758 (VCV001594758.25), dbSNP rs768111719, ClinGen allele CA229641783.

ClinVar aggregate classification (germline): Likely benign. Review status: criteria provided, multiple submitters, no conflicts (2 of 4 stars). 3 submissions from 3 submitters: Likely benign (3). Last evaluated 2024-12-30.

Conditions:
Cardiovascular phenotype. Identifiers: MedGen CN230736.
RASopathy. Also called: rasopathies; Noonan spectrum disorder. Identifiers: Orphanet 536391, MedGen C5555857, MONDO:0021060.

gnomAD v4.1: 14 of 1,614,072 alleles (0.00087%); highest among the groups gnomAD compares: South Asian, 0.0077%; no homozygotes.

Submissions (3):

Ambry Genetics
Classification: Likely benign for Cardiovascular phenotype. Last evaluated: 2024-12-30. Review status: criteria provided, single submitter. Criteria: Ambry Variant Classification Scheme 2023. Collection method: clinical testing. Allele origin: germline.

Labcorp Genetics (formerly Invitae), Labcorp
Classification: Likely benign for RASopathy. Last evaluated: 2024-09-18. Review status: criteria provided, single submitter. Criteria: Invitae Variant Classification Sherloc (09022015). Collection method: clinical testing. Allele origin: germline.

CeGaT Center for Human Genetics Tuebingen
Classification: Likely benign. Last evaluated: 2024-08-01. Review status: criteria provided, single submitter. Criteria: CeGaT Center For Human Genetics Tuebingen Variant Classification Criteria Version 2. Collection method: clinical testing. Allele origin: germline. Affected: yes. Observed: 1 variant allele.
Comment: CBL: BP4, BP7